The following is an entry in ClinVar:

ClinVar aggregate classification (germline): Uncertain significance. Review status: criteria provided, multiple submitters, no conflicts (2 of 4 stars). 2 submissions from 2 submitters: Uncertain significance (2). Last evaluated 2025-08-11.

Conditions:
Hypogonadotropic hypogonadism 3 with or without anosmia (HH3). Also called: PROKR2-Related GnRH Deficiency (Kallmann Syndrome 3); HYPOGONADOTROPIC HYPOGONADISM 3 WITH ANOSMIA. Identifiers: Orphanet 478, MedGen C3550478, MONDO:0009482, OMIM 244200.

Submissions (2):

Labcorp Genetics (formerly Invitae), Labcorp
Classification: Uncertain significance. Last evaluated: 2025-08-11. Review status: criteria provided, single submitter. Criteria: Invitae Variant Classification Sherloc (09022015). Collection method: clinical testing. Allele origin: germline.
Comment: This sequence change replaces arginine, which is basic and polar, with cysteine, which is neutral and slightly polar, at codon 80 of the PROKR2 protein (p.Arg80Cys). This variant is present in population databases (rs774093318, gnomAD 0.003%). This missense change has been observed in individual(s) with Kallmann syndrome (PMID: 18682503). ClinVar contains an entry for this variant (Variation ID: 3665849). Invitae Evidence Modeling of protein sequence and biophysical properties (such as structural, functional, and spatial information, amino acid conservation, physicochemical variation, residue mobility, and thermodynamic stability) indicates that this missense variant is not expected to disrupt PROKR2 protein function with a negative predictive value of 80%. Experimental studies have shown that this missense change affects PROKR2 function (PMID: 22745195, 24830383). This variant disrupts the p.Arg80 amino acid residue in PROKR2. Other variant(s) that disrupt this residue have been observed in individuals with PROKR2-related conditions (PMID: 18682503, 30098700, 35669683), which suggests that this may be a clinically significant amino acid residue. In summary, the available evidence is currently insufficient to determine the role of this variant in disease. Therefore, it has been classified as a Variant of Uncertain Significance.

Department of Pathology and Laboratory Medicine, Sinai Health System
Classification: Uncertain significance for Hypogonadotropic hypogonadism 3 with or without anosmia. Last evaluated: 2023-01-17. Review status: criteria provided, single submitter. Criteria: ACMG Guidelines, 2015. Collection method: research. Allele origin: germline.

Literature cited by the submitters: PubMed 18682503 (cited by Labcorp Genetics (formerly Invitae), Labcorp); PubMed 22745195 (cited by Labcorp Genetics (formerly Invitae), Labcorp); PubMed 24830383 (cited by Labcorp Genetics (formerly Invitae), Labcorp); PubMed 30098700 (cited by Labcorp Genetics (formerly Invitae), Labcorp); PubMed 35669683 (cited by Labcorp Genetics (formerly Invitae), Labcorp).

NM_144773.4(PROKR2):c.238C>T (p.Arg80Cys)

Gene: PROKR2 (prokineticin receptor 2; minus strand). Cytogenetic location: 20p12.3.
Variant type: single nucleotide variant.
Coding change: c.238C>T on transcript NM_144773.4 (MANE Select); coding-DNA position 238, C replaced by T.
Protein change: p.Arg80Cys; replaces arginine 80 with cysteine.
Molecular consequence: missense variant.
Genome position (GRCh38, 1-based): chr20:5,314,132, G>A on the plus strand (C>T on the coding strand, the complement: PROKR2 is on the minus strand). VCF-style: chr20-5314132-G-A. GRCh37 (hg19) VCF-style: chr20-5294778-G-A.
Other names: short protein forms R80C.
Identifiers: ClinVar variation 3665849 (VCV003665849.3).